The following is an entry in ClinVar:

ClinVar aggregate classification (germline): Uncertain significance. Review status: criteria provided, multiple submitters, no conflicts (2 of 4 stars). 2 submissions from 2 submitters: Uncertain significance (2). Last evaluated 2024-09-11.

Conditions:
Inborn genetic diseases. Identifiers: MedGen C0950123, MeSH D030342.

Allele frequency attached by ClinVar (database versions not stated): gnomAD 0.00001; TOPMed 0.00001; 1000 Genomes Project 30x 0.00016; 1000 Genomes Project 0.00020.

Submissions (2):

Ambry Genetics
Classification: Uncertain significance for Inborn genetic diseases. Last evaluated: 2024-09-11. Review status: criteria provided, single submitter. Criteria: Ambry Variant Classification Scheme 2023. Collection method: clinical testing. Allele origin: germline.

Labcorp Genetics (formerly Invitae), Labcorp
Classification: Uncertain significance. Last evaluated: 2022-08-19. Review status: criteria provided, single submitter. Criteria: Invitae Variant Classification Sherloc (09022015). Collection method: clinical testing. Allele origin: germline.
Comment: This sequence change replaces tyrosine, which is neutral and polar, with cysteine, which is neutral and slightly polar, at codon 393 of the SLC19A2 protein (p.Tyr393Cys). This variant is present in population databases (rs191739057, gnomAD 0.02%). This variant has not been reported in the literature in individuals affected with SLC19A2-related conditions. Advanced modeling of protein sequence and biophysical properties (such as structural, functional, and spatial information, amino acid conservation, physicochemical variation, residue mobility, and thermodynamic stability) performed at Invitae indicates that this missense variant is expected to disrupt SLC19A2 protein function. In summary, the available evidence is currently insufficient to determine the role of this variant in disease. Therefore, it has been classified as a Variant of Uncertain Significance.

NM_006996.3(SLC19A2):c.1178A>G (p.Tyr393Cys)

Gene: SLC19A2 (solute carrier family 19 member 2; minus strand). Cytogenetic location: 1q24.2.
Variant type: single nucleotide variant.
Coding change: c.1178A>G on transcript NM_006996.3 (MANE Select); coding-DNA position 1178, A replaced by G.
Protein change: p.Tyr393Cys; replaces tyrosine 393 with cysteine.
Molecular consequence: missense variant.
Genome position (GRCh38, 1-based): chr1:169,468,689, T>C on the plus strand (A>G on the coding strand, the complement: SLC19A2 is on the minus strand). VCF-style: chr1-169468689-T-C. GRCh37 (hg19) VCF-style: chr1-169437927-T-C.
Other names: c.575A>G, p.Tyr192Cys (NM_001319667.1); c.1178A>G (NM_006996.2); short protein forms Y393C, Y192C.
Identifiers: ClinVar variation 1910262 (VCV001910262.3), dbSNP rs191739057, ClinGen allele CA1232905.